The following is an entry in ClinVar:

NM_001080517.3(SETD5):c.1967T>G (p.Leu656Ter)

Gene: SETD5 (SET domain containing 5; plus strand). Cytogenetic location: 3p25.3.
Variant type: single nucleotide variant.
Coding change: c.1967T>G on transcript NM_001080517.3 (MANE Select); coding-DNA position 1967, T replaced by G.
Protein change: p.Leu656Ter; replaces leucine 656 with a stop codon.
Molecular consequence: nonsense.
Genome position (GRCh38, 1-based): chr3:9,447,870, T>G. VCF-style: chr3-9447870-T-G. GRCh37 (hg19) VCF-style: chr3-9489554-T-G.
Other names: c.1967T>G (NM_001080517.1); c.1673T>G, p.Leu558Ter (NM_001292043.2, NM_001349451.2); short protein forms L558*, L656*.
Identifiers: ClinVar variation 871923 (VCV000871923.43), dbSNP rs768750924, ClinGen allele CA351698798.

ClinVar aggregate classification (germline): Pathogenic. Review status: criteria provided, multiple submitters, no conflicts (2 of 4 stars). 3 submissions from 3 submitters: Pathogenic (3). Last evaluated 2023-06-22.

Conditions:
Intellectual disability-facial dysmorphism syndrome due to SETD5 haploinsufficiency (MRD23). Also called: Intellectual developmental disorder, autosomal dominant 23. Identifiers: Orphanet 404440, MedGen C3810406, MONDO:0014336, OMIM 615761.

Submissions (3):

GeneDx
Classification: Pathogenic. Last evaluated: 2023-06-22. Review status: criteria provided, single submitter. Criteria: GeneDx Variant Classification Process June 2021. Collection method: clinical testing. Allele origin: germline. Affected: yes.
Comment: Nonsense variant predicted to result in protein truncation or nonsense mediated decay in a gene for which loss of function is a known mechanism of disease; Not observed at significant frequency in large population cohorts (gnomAD); Has not been previously published as pathogenic or benign to our knowledge

Kasturba Medical College, Manipal, Kasturba Medical College, Manipal, Manipal Academy of Higher Education, Manipal, India
Classification: Pathogenic for Intellectual disability-facial dysmorphism syndrome due to SETD5 haploinsufficiency. Last evaluated: 2023-01-23. Review status: criteria provided, single submitter. Criteria: ACMG Guidelines, 2015. Collection method: clinical testing. Allele origin: de novo. Affected: yes.

CeGaT Center for Human Genetics Tuebingen
Classification: Pathogenic. Last evaluated: 2019-08-01. Review status: criteria provided, single submitter. Criteria: CeGaT Center For Human Genetics Tuebingen Variant Classification Criteria Version 2. Collection method: clinical testing. Allele origin: germline. Affected: yes. Observed: 1 variant allele.